The following is an entry in ClinVar:

ClinVar aggregate classification (germline): Uncertain significance (1 of 4 stars; one submission).

Allele frequency attached by ClinVar (database versions not stated): gnomAD exomes below 0.00001.
gnomAD v4.1: 4 of 1,551,704 alleles (0.00026%); highest among the groups gnomAD compares: Non-Finnish European, 0.00035%; no homozygotes.

Submission:

Labcorp Genetics (formerly Invitae), Labcorp
Classification: Uncertain significance. Last evaluated: 2025-10-02. Review status: criteria provided, single submitter. Criteria: Invitae Variant Classification Sherloc (09022015). Collection method: clinical testing. Allele origin: germline.
Comment: This sequence change replaces aspartic acid, which is acidic and polar, with glycine, which is neutral and non-polar, at codon 63 of the DTHD1 protein (p.Asp63Gly). This variant is not present in population databases (gnomAD no frequency). This variant has not been reported in the literature in individuals affected with DTHD1-related conditions. ClinVar contains an entry for this variant (Variation ID: 964342). An algorithm developed to predict the effect of missense changes on protein structure and function (PolyPhen-2) suggests that this variant is likely to be tolerated. Algorithms developed to predict the effect of sequence changes on RNA splicing suggest that this variant may disrupt the consensus splice site. In summary, the available evidence is currently insufficient to determine the role of this variant in disease. Therefore, it has been classified as a Variant of Uncertain Significance.

NM_001170700.3(DTHD1):c.1058A>G (p.Asp353Gly)

Gene: DTHD1 (death domain containing 1; plus strand). Cytogenetic location: 4p14.
Variant type: single nucleotide variant.
Coding change: c.1058A>G on transcript NM_001170700.3 (MANE Select); coding-DNA position 1058, A replaced by G.
Protein change: p.Asp353Gly; replaces aspartic acid 353 with glycine.
Molecular consequence: missense variant. On other transcripts: non-coding transcript variant (2).
Genome position (GRCh38, 1-based): chr4:36,290,543, A>G. VCF-style: chr4-36290543-A-G. GRCh37 (hg19) VCF-style: chr4-36292165-A-G.
Other names: c.188A>G, p.Asp63Gly (NM_001136536.5, NM_001378435.1); short protein forms D353G, D63G.
Identifiers: ClinVar variation 964342 (VCV000964342.9), dbSNP rs1756013110, ClinGen allele CA356678943.